The following is an entry in ClinVar:

ClinVar aggregate classification (germline): Uncertain significance (1 of 4 stars; one submission).

Conditions:
Wilson disease (WND). Also called: Wilson's disease. Identifiers: Orphanet 905, MedGen C0019202, MONDO:0010200, OMIM 277900. Disease mechanism: loss of function.

Submission:

MVZ Dr. Eberhard & Partner Dortmund
Classification: Uncertain significance for Wilson disease. Last evaluated: 2024-07-29. Review status: criteria provided, single submitter. Criteria: ACMG Guidelines, 2015. Collection method: clinical testing. Allele origin: unknown. Inheritance: Autosomal recessive inheritance. Affected: yes.
Comment: The variant c.2747T>C for p.(Leu916Pro) has already been detected in the literature in a Russian cohort of patients with Wilson's disease (Bayazutdinova 2019). The variant is not found in control groups of different ethnicities. Computer-based analyses carried out by us to assess the relevance of an amino acid exchange showed that the change p.Leu916Pro could influence the function of the protein and be pathogenetically significant. Overall, the available data indicate that c.2747T>C for p.(Leu916Pro) could be a pathogenic variant and the cause of Wilson's disease. However, a conclusive evaluation of c.2747T>C is not yet possible based on the current data situation, so that we currently classify this change as a variant with uncertain significance.

Literature cited by the submitters: DOI 10.1134/s0016675819120026.

NM_000053.4(ATP7B):c.2747T>C (p.Leu916Pro)

Gene: ATP7B (ATPase copper transporting beta; minus strand). Cytogenetic location: 13q14.3.
Variant type: single nucleotide variant.
Coding change: c.2747T>C on transcript NM_000053.4 (MANE Select); coding-DNA position 2747, T replaced by C.
Protein change: p.Leu916Pro; replaces leucine 916 with proline.
Molecular consequence: missense variant. On other transcripts: intron variant (3).
Genome position (GRCh38, 1-based): chr13:51,949,780, A>G on the plus strand (T>C on the coding strand, the complement: ATP7B is on the minus strand). VCF-style: chr13-51949780-A-G. GRCh37 (hg19) VCF-style: chr13-52523916-A-G.
Other names: c.2414T>C, p.Leu805Pro (NM_001243182.2); c.2513T>C, p.Leu838Pro (NM_001330578.2, NM_001406527.1, NM_001406528.1 and 2 more transcripts); c.2495T>C, p.Leu832Pro (NM_001330579.2, NM_001406540.1, NM_001406531.1 and 1 more transcripts); c.2747T>C, p.Leu916Pro (NM_001406511.1, NM_001406512.1, NM_001406513.1 and 5 more transcripts); c.2714T>C, p.Leu905Pro (NM_001406514.1); c.2651T>C, p.Leu884Pro (NM_001406517.1, NM_001406518.1); c.2603T>C, p.Leu868Pro (NM_001406520.1, NM_001406521.1, NM_001406522.1 and 1 more transcripts); c.2570T>C, p.Leu857Pro (NM_001406524.1); and 10 more; short protein forms L486P, L700P, L722P, L754P, L773P, L800P, L805P, L806P.
Identifiers: ClinVar variation 3338425 (VCV003338425.1).
Genomic context (GRCh38, chr13:51,949,780, plus strand): 5'-AACGTCAAAGTTGACATGATGATGATAAATGGGACAAAATATCCACTAAACCGGTCAGCC[A>G]GCTGCTGAATGGGTGCCTATGAAAATAAAACACCAAGACCATGGGAAATTACAACCTATG-3'
Protein context (NP_000044.2, residues 906-926): AQMSKAPIQQ[Leu916Pro]ADRFSGYFVP